The following is an entry in ClinVar:

ClinVar aggregate classification (germline): Uncertain significance (1 of 4 stars; one submission).

Allele frequency attached by ClinVar (database versions not stated): TOPMed 0.00001; gnomAD 0.00001.
gnomAD v4.1: 8 of 1,613,040 alleles (0.0005%); highest among the groups gnomAD compares: Admixed American, 0.0017%; no homozygotes.

Submission:

Labcorp Genetics (formerly Invitae), Labcorp
Classification: Uncertain significance. Last evaluated: 2022-04-23. Review status: criteria provided, single submitter. Criteria: Invitae Variant Classification Sherloc (09022015). Collection method: clinical testing. Allele origin: germline.
Comment: In summary, the available evidence is currently insufficient to determine the role of this variant in disease. Therefore, it has been classified as a Variant of Uncertain Significance. Algorithms developed to predict the effect of missense changes on protein structure and function output the following: SIFT: "Not Available"; PolyPhen-2: "Benign"; Align-GVGD: "Not Available". The methionine amino acid residue is found in multiple mammalian species, which suggests that this missense change does not adversely affect protein function. This variant has not been reported in the literature in individuals affected with TMPRSS15-related conditions. This variant is not present in population databases (gnomAD no frequency). This sequence change replaces threonine, which is neutral and polar, with methionine, which is neutral and non-polar, at codon 196 of the TMPRSS15 protein (p.Thr196Met).

NM_002772.3(TMPRSS15):c.587C>T (p.Thr196Met)

Gene: TMPRSS15 (transmembrane serine protease 15; minus strand). Cytogenetic location: 21q21.1.
Variant type: single nucleotide variant.
Coding change: c.587C>T on transcript NM_002772.3 (MANE Select); coding-DNA position 587, C replaced by T.
Protein change: p.Thr196Met; replaces threonine 196 with methionine.
Molecular consequence: missense variant.
Genome position (GRCh38, 1-based): chr21:18,372,270, G>A on the plus strand (C>T on the coding strand, the complement: TMPRSS15 is on the minus strand). VCF-style: chr21-18372270-G-A. GRCh37 (hg19) VCF-style: chr21-19744587-G-A.
Other names: short protein forms T196M.
Identifiers: ClinVar variation 2076986 (VCV002076986.4), dbSNP rs2075799206, ClinGen allele CA409852575.
Genomic context (GRCh38, chr21:18,372,270, plus strand): 5'-TCGTCAGAACCATCTGGACAGTTTACTTCTCCATCACAAAATAAATCAGCTTTTATACAC[G>A]TTAGAGCATCAGTACAAGGACTTGAACCAGGCAGGCACTCTATTGAGACATTTCCTTTAA-3'
Protein context (NP_002763.3, residues 186-206): PGSSPCTDAL[Thr196Met]CIKADLFCDG